The following is an entry in ClinVar:

NM_001128840.3(CACNA1D):c.4928G>A (p.Gly1643Glu)

Gene: CACNA1D (calcium voltage-gated channel subunit alpha1 D; plus strand). Cytogenetic location: 3p21.1.
Variant type: single nucleotide variant.
Coding change: c.4928G>A on transcript NM_001128840.3 (MANE Select); coding-DNA position 4928, G replaced by A.
Protein change: p.Gly1643Glu; replaces glycine 1643 with glutamic acid.
Molecular consequence: missense variant.
Genome position (GRCh38, 1-based): chr3:53,800,253, G>A. VCF-style: chr3-53800253-G-A. GRCh37 (hg19) VCF-style: chr3-53834280-G-A.
Other names: c.4988G>A, p.Gly1663Glu (NM_000720.4); c.4883G>A, p.Gly1628Glu (NM_001128839.3); short protein forms G1643E, G1628E, G1663E.
Identifiers: ClinVar variation 4723619 (VCV004723619.1).
Genomic context (GRCh38, chr3:53,800,253, plus strand): 5'-GCTGGCCCCAGGGCCCATGTGTGGTCTAACCTGTTCTGCCATTTTCATTGATCTAGGCGG[G>A]ATTAAGGACACTGCATGACATTGGGCCAGAAATCCGGCGTGCTATATCGTGTGATTTGCA-3'
Protein context (NP_001122312.1, residues 1633-1653): AKNTTIALQA[Gly1643Glu]LRTLHDIGPE

ClinVar aggregate classification (germline): Uncertain significance (1 of 4 stars; one submission).

Submission:

Labcorp Genetics (formerly Invitae), Labcorp
Classification: Uncertain significance. Last evaluated: 2025-08-02. Review status: criteria provided, single submitter. Criteria: Invitae Variant Classification Sherloc (09022015). Collection method: clinical testing. Allele origin: germline.
Comment: This sequence change replaces glycine, which is neutral and non-polar, with glutamic acid, which is acidic and polar, at codon 1663 of the CACNA1D protein (p.Gly1663Glu). This variant is not present in population databases (gnomAD no frequency). This variant has not been reported in the literature in individuals affected with CACNA1D-related conditions. An algorithm developed to predict the effect of missense changes on protein structure and function (PolyPhen-2) suggests that this variant is likely to be disruptive. In summary, the available evidence is currently insufficient to determine the role of this variant in disease. Therefore, it has been classified as a Variant of Uncertain Significance.